The following is an entry in ClinVar:

NM_001141945.3(ACTA2):c.-310A>C

Genes: ACTA2 (actin alpha 2, smooth muscle; minus strand), FAS (Fas cell surface death receptor; plus strand), LOC130004294 (ATAC-STARR-seq lymphoblastoid active region 3732; plus strand). Cytogenetic location: 10q23.31.
Variant type: single nucleotide variant.
Coding change: c.-310A>C on transcript NM_001141945.3; 310 bases upstream of the start codon, A replaced by C.
Molecular consequence: 5 prime UTR variant. On other transcripts: intron variant (5).
Genome position (GRCh38, 1-based): chr10:88,991,225, T>G on the plus strand (A>C on the coding strand, the complement: ACTA2 is on the minus strand). VCF-style: chr10-88991225-T-G. GRCh37 (hg19) VCF-style: chr10-90750982-T-G.
Other names: c.-227A>C (NM_001320855.2, NM_001406467.1); c.-385A>C (NM_001406462.1); c.-468A>C (NM_001406463.1); c.-310A>C (NM_001406468.1, NM_001406471.1); c.30+319T>G (NM_000043.6, NM_152872.4, NM_001320619.2 and 1 more transcripts); c.75+13T>G (NM_001410956.1).
Identifiers: ClinVar variation 1229597 (VCV001229597.8), dbSNP rs7079111, ClinGen allele CA16397508.

ClinVar aggregate classification (germline): Benign. Review status: criteria provided, multiple submitters, no conflicts (2 of 4 stars). 3 submissions from 3 submitters: Benign (3). Last evaluated 2024-01-24.

Allele frequency attached by ClinVar (database versions not stated): gnomAD 0.90247 and 0.90239; 1000 Genomes Project 0.93790; TOPMed 0.90900; 1000 Genomes Project 30x 0.93894; gnomAD exomes 0.87942.
gnomAD v4.1: 464,538 of 524,120 alleles (89%); highest among the groups gnomAD compares: East Asian, 99%; 206,463 homozygotes.

Submissions (3):

Unidad de Genómica Garrahan, Hospital de Pediatría Garrahan
Classification: Benign. Last evaluated: 2024-01-24. Review status: criteria provided, single submitter. Criteria: ACMG Guidelines, 2015. Collection method: clinical testing. Allele origin: germline. Affected: no. Observed: 94 variant alleles.
Comment: This variant is classified as Benign based on local population frequency. This variant was detected in 99% of patients studied by a panel of primary immunodeficiencies. Number of patients: 94. Only high quality variants are reported.

GeneDx
Classification: Benign. Last evaluated: 2018-07-09. Review status: criteria provided, single submitter. Criteria: GeneDx Variant Classification Process June 2021. Collection method: clinical testing. Allele origin: germline. Affected: yes.

Breakthrough Genomics
Classification: Benign. Review status: criteria provided, single submitter. Criteria: ACMG Guidelines, 2015. Collection method: not provided. Allele origin: germline. Inheritance: Autosomal dominant inheritance. Affected: yes.